The following is an entry in ClinVar:

NM_000051.4(ATM):c.6224A>C (p.His2075Pro)

Genes: ATM (ATM serine/threonine kinase; plus strand), C11orf65 (chromosome 11 open reading frame 65; minus strand). Cytogenetic location: 11q22.3.
Variant type: single nucleotide variant.
Coding change: c.6224A>C on transcript NM_000051.4 (MANE Select); coding-DNA position 6224, A replaced by C.
Protein change: p.His2075Pro; replaces histidine 2075 with proline.
Molecular consequence: missense variant. On other transcripts: intron variant (2).
Genome position (GRCh38, 1-based): chr11:108,317,398, A>C. VCF-style: chr11-108317398-A-C. GRCh37 (hg19) VCF-style: chr11-108188125-A-C.
Other names: c.6224A>C, p.His2075Pro (NM_001351834.2); c.641-8327T>G (NM_001330368.2); c.*39-8327T>G (NM_001351110.2); short protein forms H2075P.
Identifiers: ClinVar variation 864747 (VCV000864747.48), dbSNP rs1555114602, ClinGen allele CA382551136.

ClinVar aggregate classification (germline): Uncertain significance (1 of 4 stars; one submission).

Conditions:
Ataxia-telangiectasia syndrome (AT). Also called: ATAXIA-TELANGIECTASIA, COMPLEMENTATION GROUP A; ATAXIA-TELANGIECTASIA, FRESNO VARIANT; Ataxia-telangiectasia; Ataxia-telangiectasia, complementation group D; AT, COMPLEMENTATION GROUP C; Ataxia-telangiectasia, complementation group E. Identifiers: Orphanet 100, MedGen C0004135, MONDO:0008840, OMIM 208900.

Submission:

Labcorp Genetics (formerly Invitae), Labcorp
Classification: Uncertain significance for Ataxia-telangiectasia syndrome. Last evaluated: 2019-12-30. Review status: criteria provided, single submitter. Criteria: Invitae Variant Classification Sherloc (09022015). Collection method: clinical testing. Allele origin: germline.
Comment: This sequence change replaces histidine with proline at codon 2075 of the ATM protein (p.His2075Pro). The histidine residue is moderately conserved and there is a moderate physicochemical difference between histidine and proline. This variant is not present in population databases (ExAC no frequency). This variant has not been reported in the literature in individuals with ATM-related conditions. Algorithms developed to predict the effect of missense changes on protein structure and function are either unavailable or do not agree on the potential impact of this missense change (SIFT: "Tolerated"; PolyPhen-2: "Possibly Damaging"; Align-GVGD: "Class C0"). In summary, the available evidence is currently insufficient to determine the role of this variant in disease. Therefore, it has been classified as a Variant of Uncertain Significance.